The following is an entry in ClinVar:

ClinVar aggregate classification (germline): Uncertain significance (1 of 4 stars; one submission).

Conditions:
Hereditary cancer-predisposing syndrome. Also called: Neoplastic Syndromes, Hereditary; Tumor predisposition; Hereditary neoplastic syndrome; Hereditary Cancer Syndrome. Identifiers: Orphanet 140162, MedGen C0027672, MeSH D009386, MONDO:0015356.

Submission:

Ambry Genetics
Classification: Uncertain significance for Hereditary cancer-predisposing syndrome. Last evaluated: 2026-07-18. Review status: criteria provided, single submitter. Criteria: Ambry Variant Classification Scheme 2023. Collection method: clinical testing. Allele origin: germline.
Comment: The p.C290S variant (also known as c.868T>A), located in coding exon 6 of the NTHL1 gene, results from a T to A substitution at nucleotide position 868. The cysteine at codon 290 is replaced by serine, an amino acid with dissimilar properties. This amino acid position is conserved. In addition, this alteration is predicted to be deleterious by in silico analysis. Based on the available evidence, the clinical significance of this variant remains unclear.

NM_002528.7(NTHL1):c.844T>A (p.Cys282Ser)

Gene: NTHL1 (nth like DNA glycosylase 1; minus strand). Cytogenetic location: 16p13.3.
Variant type: single nucleotide variant.
Coding change: c.844T>A on transcript NM_002528.7 (MANE Select); coding-DNA position 844, T replaced by A.
Protein change: p.Cys282Ser; replaces cysteine 282 with serine.
Molecular consequence: missense variant.
Genome position (GRCh38, 1-based): chr16:2,039,995, A>T on the plus strand (T>A on the coding strand, the complement: NTHL1 is on the minus strand). VCF-style: chr16-2039995-A-T. GRCh37 (hg19) VCF-style: chr16-2089996-A-T.
Other names: c.673T>A, p.Cys225Ser (NM_001318193.2); c.514T>A, p.Cys172Ser (NM_001318194.2); short protein forms C172S, C282S, C225S.
Identifiers: ClinVar variation 5025912 (VCV005025912.1).
Genomic context (GRCh38, chr16:2,039,995, plus strand): 5'-GGGCGGCCGGGCAGAGGGCTTGGTTGAGGCAGGCGTGGCAGCGAGGGTGCACAGGCAGAC[A>T]GGTCTGCTGGCCGAAGCCCACCAAGAGTCCATTGATCTCGTGCCACAGCTCCCTGTGGGG-3'
Protein context (NP_002519.2, residues 272-292): GLLVGFGQQT[Cys282Ser]LPVHPRCHAC